The following is an entry in ClinVar:

ClinVar aggregate classification (germline): Conflicting classifications of pathogenicity. Review status: criteria provided, conflicting classifications (1 of 4 stars). 3 submissions from 3 submitters: Uncertain significance (1); Likely benign (2). Last evaluated 2023-06-12.

Allele frequency attached by ClinVar (database versions not stated): TOPMed below 0.00001; ExAC 0.00001; gnomAD exomes 0.00001; gnomAD 0.00002.

Submissions (3):

GeneDx
Classification: Uncertain significance. Last evaluated: 2023-06-12. Review status: criteria provided, single submitter. Criteria: GeneDx Variant Classification Process June 2021. Collection method: clinical testing. Allele origin: germline. Affected: yes.
Comment: In silico analysis supports that this missense variant has a deleterious effect on protein structure/function; Has not been previously published as pathogenic or benign to our knowledge

Labcorp Genetics (formerly Invitae), Labcorp
Classification: Likely benign. Last evaluated: 2023-01-23. Review status: criteria provided, single submitter. Criteria: Invitae Variant Classification Sherloc (09022015). Collection method: clinical testing. Allele origin: germline.

Blueprint Genetics
Classification: Likely benign. Last evaluated: 2019-08-23. Review status: criteria provided, single submitter. Criteria: ACMG Guidelines, 2015. Collection method: clinical testing. Allele origin: germline.

NM_014727.3(KMT2B):c.5807C>T (p.Ser1936Phe)

Gene: KMT2B (lysine methyltransferase 2B; plus strand). Cytogenetic location: 19q13.12.
Variant type: single nucleotide variant.
Coding change: c.5807C>T on transcript NM_014727.3 (MANE Select); coding-DNA position 5807, C replaced by T.
Protein change: p.Ser1936Phe; replaces serine 1936 with phenylalanine.
Molecular consequence: missense variant.
Genome position (GRCh38, 1-based): chr19:35,732,356, C>T. VCF-style: chr19-35732356-C-T. GRCh37 (hg19) VCF-style: chr19-36223257-C-T.
Other names: c.5807C>T (NM_014727.2); short protein forms S1936F.
Identifiers: ClinVar variation 1953045 (VCV001953045.7), dbSNP rs753272955, ClinGen allele CA9385543.